The following is an entry in ClinVar:

NM_001308093.3(GATA4):c.571_579dup (p.Pro193_Gly194insSerLeuPro)

Gene: GATA4 (GATA binding protein 4). Cytogenetic location: 8p23.1.
Variant type: Duplication.
Coding change: c.571_579dup on transcript NM_001308093.3 (MANE Select); coding-DNA positions 571 to 579, 9 bases duplicated.
Protein change: p.Pro193_Gly194insSerLeuPro.
Molecular consequence: inframe insertion. On other transcripts: intron variant (3).
Genome position: GRCh38 VCF-style: chr8-11708881-A-ACAGCCTGCC. GRCh37 (hg19) VCF-style: chr8-11566390-A-ACAGCCTGCC.
Other names: c.571_579dup, p.Pro193_Gly194insSerLeuPro (NM_002052.5); c.-6+8105_-6+8113dup (NM_001308094.2); c.-3+869_-3+877dup (NM_001374274.1); c.-3+4579_-3+4587dup (NM_001374273.1).
Identifiers: ClinVar variation 3369773 (VCV003369773.2).
Genomic context (GRCh38, chr8:11,708,881, plus strand): 5'-GCGCGTCCTGGGCCGCAGCCGCCGCCGCCTCCGCCGGCCCCTTCGACAGCCCGGTCCTGC[A>ACAGCCTGCC]CAGCCTGCCCGGCCGGGCCAACCCGGCCGCCCGACACCCCAATCTCGGTGAGTAGGAGCG-3'

ClinVar aggregate classification (germline): Uncertain significance (1 of 4 stars; one submission).

Submission:

GeneDx
Classification: Uncertain significance. Last evaluated: 2026-07-06. Review status: criteria provided, single submitter. Criteria: GeneDx Variant Classification Process June 2021. Collection method: clinical testing. Allele origin: germline.
Comment: In-frame duplication of 3 amino acid(s) in a non-repeat region; Not observed at significant frequency in large population cohorts (gnomAD); Has not been previously published as pathogenic or benign to our knowledge